The following is an entry in ClinVar:

NM_001034853.2(RPGR):c.2409del (p.Arg804fs)

Gene: RPGR (retinitis pigmentosa GTPase regulator; minus strand). Cytogenetic location: Xp11.4.
Variant type: Deletion.
Coding change: c.2409del on transcript NM_001034853.2 (MANE Select); coding-DNA position 2409, one base deleted (G; older notation c.2409delG).
Protein change: p.Arg804fs; shifts the reading frame from arginine 804.
Molecular consequence: frameshift variant. On other transcripts: intron variant (8).
Genome position (GRCh38, 1-based): chrX:38,286,590, C deleted on the plus strand (G on the coding strand, the reverse complement: RPGR is on the minus strand); the first of 4 consecutive C bases (chrX:38,286,590-38,286,593); deleting any one gives the same sequence. VCF-style (leftmost placement, unchanged base first): chrX-38286589-TC-T. GRCh37 (hg19) VCF-style: chrX-38145842-TC-T.
Other names: c.1569+4369del (NM_001367249.1, NM_001367250.1); c.1902+504del (NM_001367245.1); c.1386+4369del (NM_001367251.1); c.1719+504del (NM_001367246.1); c.1572+4369del (NM_001367247.1); c.1905+504del (NM_000328.3); c.1602+4369del (NM_001367248.1); short protein forms R804fs.
Identifiers: ClinVar variation 865862 (VCV000865862.3), dbSNP rs2067182990, ClinGen allele CA916083901.
Genomic context (GRCh38, chrX:38,286,589, plus strand): 5'-CTTTCCCCTCCTCTACTTCCCCTCCCTCTACTTCCCCTCCCTCCTCTTTTTCCTCCCCTC[TC>T]CCCTCTGTTTCCTCCTCTTCCCCCTCTCCTTGGTCTCCTTCTTCCTCTCCTTTCTCCTCC-3'

ClinVar aggregate classification (germline): Pathogenic/Likely pathogenic. Review status: criteria provided, multiple submitters, no conflicts (2 of 4 stars). 3 submissions from 2 submitters: Pathogenic (1); Likely pathogenic (1). 1 of the submissions does not count toward it. Last evaluated 2022-01-01.

Conditions:
Retinal dystrophy. Also called: Inherited retinal dystrophy. Identifiers: Orphanet 71862, MedGen C0854723, MeSH D058499, MONDO:0019118, HP:0000556.
Retinitis pigmentosa 3. Also called: CHOROIDORETINAL DEGENERATION WITH RETINAL REFLEX IN HETEROZYGOUS WOMEN. Identifiers: Orphanet 791, MedGen C1845667, MONDO:0010227, OMIM 300029.

Submissions (3):

Institute of Human Genetics, Univ. Regensburg, Univ. Regensburg
Classification: Pathogenic for Retinal dystrophy. Last evaluated: 2022-01-01. Review status: criteria provided, single submitter. Criteria: ACMG Guidelines, 2015. Collection method: clinical testing. Allele origin: germline. Affected: yes.

Blueprint Genetics
Classification: Likely pathogenic for Retinal dystrophy. Last evaluated: 2019-01-22. Review status: criteria provided, single submitter. Criteria: Blueprint Genetics Variant Classification Scheme. Collection method: clinical testing. Allele origin: germline. Affected: yes.

Blueprint Genetics
Classification: Likely pathogenic for Retinitis pigmentosa 3. Review status: no assertion criteria provided. Collection method: clinical testing. Allele origin: germline. Affected: yes. Not counted in ClinVar's aggregate classification.

Literature cited by the submitters: PubMed 34985506 (cited by Institute of Human Genetics, Univ. Regensburg, Univ. Regensburg).